The following is an entry in ClinVar:

ClinVar aggregate classification (germline): Uncertain significance (1 of 4 stars; one submission).

Conditions:
Autosomal recessive limb-girdle muscular dystrophy. Identifiers: Orphanet 102015, MedGen C2931907, MONDO:0015152.

Submission:

Myriad Genetics, Inc.
Classification: Uncertain significance for Autosomal recessive limb-girdle muscular dystrophy. Last evaluated: 2025-10-22. Review status: criteria provided, single submitter. Criteria: Myriad Autosomal Dominant, Autosomal Recessive and X-Linked Classification Criteria (2023). Collection method: clinical testing. Allele origin: unknown.
Comment: NM_003494.3(DYSF):c.3625_3630del6(E1209_I1210del) is an in-frame deletion classified as a variant of uncertain significance in the context of dysferlinopathy. E1209_I1210del has not been observed in cases with relevant disease. Relevant functional assessments of this variant are not available in the literature. E1209_I1210del has not been observed in referenced population frequency databases. In summary, there is insufficient evidence to classify NM_003494.3(DYSF):c.3625_3630del6(E1209_I1210del) as pathogenic or benign. Please note: this variant was assessed in the context of healthy population screening.

NM_001130987.2(DYSF):c.3673GAGATC[1] (p.1225EI[1])

Gene: DYSF (dysferlin; plus strand). Cytogenetic location: 2p13.2.
Variant type: Microsatellite.
Coding change: c.3673GAGATC[1] on transcript NM_001130987.2 (MANE Select); one copy of the 6-base unit GAGATC starting at c.3673; the reference has two copies in a row; one copy, 6 bases deleted.
Protein change: p.1225EI[1].
Molecular consequence: inframe deletion.
Genome position (GRCh38, 1-based): chr2:71,598,668-71,598,673, GAGATC deleted; deleting any 6 consecutive bases within chr2:71,598,661-71,598,673 gives the same sequence; the position shown is the placement nearest the transcript's 3' end. VCF-style (leftmost placement, unchanged base first): chr2-71598660-ACGAGAT-A. GRCh37 (hg19) VCF-style: chr2-71825790-ACGAGAT-A.
Other names: c.3622GAGATC[1], p.1208EI[1] (NM_001130455.2, NM_001130983.2); c.3577GAGATC[1], p.1193EI[1] (NM_001130976.2, NM_001130977.2); c.3619GAGATC[1], p.1207EI[1] (NM_001130978.2, NM_003494.4); c.3712GAGATC[1], p.1238EI[1] (NM_001130979.2); c.3670GAGATC[1], p.1224EI[1] (NM_001130980.2, NM_001130981.2); c.3715GAGATC[1], p.1239EI[1] (NM_001130982.2); c.3580GAGATC[1], p.1194EI[1] (NM_001130984.2, NM_001130986.2); c.3673GAGATC[1], p.1225EI[1] (NM_001130985.2).
Identifiers: ClinVar variation 5003813 (VCV005003813.1).